The following is an entry in ClinVar:

ClinVar aggregate classification (germline): Uncertain significance (1 of 4 stars; one submission).

gnomAD v4.1: 1 of 1,613,376 alleles (0.000062%); no homozygotes.

Submission:

Labcorp Genetics (formerly Invitae), Labcorp
Classification: Uncertain significance. Last evaluated: 2023-12-02. Review status: criteria provided, single submitter. Criteria: Invitae Variant Classification Sherloc (09022015). Collection method: clinical testing. Allele origin: germline.
Comment: This sequence change replaces glutamine, which is neutral and polar, with histidine, which is basic and polar, at codon 428 of the RORB protein (p.Gln428His). This variant is not present in population databases (gnomAD no frequency). This variant has not been reported in the literature in individuals affected with RORB-related conditions. An algorithm developed to predict the effect of missense changes on protein structure and function (PolyPhen-2) suggests that this variant is likely to be tolerated. In summary, the available evidence is currently insufficient to determine the role of this variant in disease. Therefore, it has been classified as a Variant of Uncertain Significance.

NM_006914.4(RORB):c.1284G>C (p.Gln428His)

Genes: RORB (RAR related orphan receptor B; plus strand), LOC124310566 (Sharpr-MPRA regulatory region 9792; plus strand). Cytogenetic location: 9q21.13.
Variant type: single nucleotide variant.
Coding change: c.1284G>C on transcript NM_006914.4 (MANE Select); coding-DNA position 1284, G replaced by C.
Protein change: p.Gln428His; replaces glutamine 428 with histidine.
Molecular consequence: missense variant.
Genome position (GRCh38, 1-based): chr9:74,685,522, G>C. VCF-style: chr9-74685522-G-C. GRCh37 (hg19) VCF-style: chr9-77300438-G-C.
Other names: c.1317G>C, p.Gln439His (NM_001365023.1); short protein forms Q439H, Q428H.
Identifiers: ClinVar variation 2876810 (VCV002876810.3), dbSNP rs201621306, ClinGen allele CA193868980.
Genomic context (GRCh38, chr9:74,685,522, plus strand): 5'-GTTAATAGCCAAGATACCAACCATCACGGCAGTTTGCAACTTGCACGGGGAGAAGCTGCA[G>C]GTATTTAAGCAATCTCATCCAGAGATAGTGAATACACTGTTTCCTCCGTTATACAAGGAG-3'
Protein context (NP_008845.2, residues 418-438): AVCNLHGEKL[Gln428His]VFKQSHPEIV